The following is an entry in ClinVar:

NM_001164508.2(NEB):c.8401del (p.Gln2801fs)

Gene: NEB (nebulin; minus strand). Cytogenetic location: 2q23.3.
Variant type: Deletion.
Coding change: c.8401del on transcript NM_001164508.2 (MANE Select); coding-DNA position 8401, one base deleted (C; older notation c.8401delC).
Protein change: p.Gln2801fs; shifts the reading frame from glutamine 2801.
Molecular consequence: frameshift variant.
Genome position (GRCh38, 1-based): chr2:151,640,639, G deleted on the plus strand (C on the coding strand, the reverse complement: NEB is on the minus strand). VCF-style (leftmost placement, unchanged base first): chr2-151640638-TG-T. GRCh37 (hg19) VCF-style: chr2-152497152-TG-T.
Other names: c.8401del, p.Gln2801fs (NM_001164507.2, NM_001271208.2, NM_004543.5); short protein forms Q2801fs.
Identifiers: ClinVar variation 3643390 (VCV003643390.2).
Genomic context (GRCh38, chr2:151,640,638, plus strand): 5'-ATGGACCACATCATCTTGGGGTCATCACGTATAGCTCGGGCACCAATGTGGTGGCCGAGC[TG>T]CTTACGATAGCCTTCTTTGTACTTGAACTAAAAGAAGAAAAAGACAGATAGTCATCTGTT-3'

ClinVar aggregate classification (germline): Pathogenic (1 of 4 stars; one submission).

Conditions:
Nemaline myopathy 2 (NEM2). Also called: Nemaline myopathy 2, autosomal recessive. Identifiers: MedGen C1850569, MONDO:0009725, OMIM 256030.

Submission:

Labcorp Genetics (formerly Invitae), Labcorp
Classification: Pathogenic for Nemaline myopathy 2. Last evaluated: 2024-02-29. Review status: criteria provided, single submitter. Criteria: Invitae Variant Classification Sherloc (09022015). Collection method: clinical testing. Allele origin: germline.
Comment: This sequence change creates a premature translational stop signal (p.Gln2801Serfs*17) in the NEB gene. It is expected to result in an absent or disrupted protein product. Loss-of-function variants in NEB are known to be pathogenic (PMID: 25205138). This variant is not present in population databases (gnomAD no frequency). This variant has not been reported in the literature in individuals affected with NEB-related conditions. For these reasons, this variant has been classified as Pathogenic.

Literature cited by the submitters: PubMed 25205138.